The following is an entry in ClinVar:

NM_004304.5(ALK):c.2582T>G (p.Leu861Arg)

Gene: ALK (ALK receptor tyrosine kinase; minus strand). Cytogenetic location: 2p23.2.
Variant type: single nucleotide variant.
Coding change: c.2582T>G on transcript NM_004304.5 (MANE Select); coding-DNA position 2582, T replaced by G.
Protein change: p.Leu861Arg; replaces leucine 861 with arginine.
Molecular consequence: missense variant.
Genome position (GRCh38, 1-based): chr2:29,232,354, A>C on the plus strand (T>G on the coding strand, the complement: ALK is on the minus strand). VCF-style: chr2-29232354-A-C. GRCh37 (hg19) VCF-style: chr2-29455220-A-C.
Other names: short protein forms L861R.
Identifiers: ClinVar variation 2166609 (VCV002166609.4), dbSNP rs2465986250, ClinGen allele CA346471730.

ClinVar aggregate classification (germline): Uncertain significance (1 of 4 stars; one submission).

Conditions:
Neuroblastoma, susceptibility to, 3. Also called: ALK-Related Neuroblastic Tumor Susceptibility. Identifiers: Orphanet 635, MedGen C2751681, MONDO:0013083, OMIM 613014.

Submission:

Labcorp Genetics (formerly Invitae), Labcorp
Classification: Uncertain significance for Neuroblastoma, susceptibility to, 3. Last evaluated: 2022-03-28. Review status: criteria provided, single submitter. Criteria: Invitae Variant Classification Sherloc (09022015). Collection method: clinical testing. Allele origin: germline.
Comment: In summary, the available evidence is currently insufficient to determine the role of this variant in disease. Therefore, it has been classified as a Variant of Uncertain Significance. Algorithms developed to predict the effect of missense changes on protein structure and function (SIFT, PolyPhen-2, Align-GVGD) all suggest that this variant is likely to be disruptive. This variant has not been reported in the literature in individuals affected with ALK-related conditions. This sequence change replaces leucine, which is neutral and non-polar, with arginine, which is basic and polar, at codon 861 of the ALK protein (p.Leu861Arg). This variant is not present in population databases (gnomAD no frequency).